The following is an entry in ClinVar:

NM_001142800.2(EYS):c.8981T>A (p.Leu2994Gln)

Genes: EYS (EGF-like photoreceptor maintenance factor; minus strand), PHF3 (PHD finger protein 3; plus strand). Cytogenetic location: 6q12.
Variant type: single nucleotide variant.
Coding change: c.8981T>A on transcript NM_001142800.2 (MANE Select); coding-DNA position 8981, T replaced by A.
Protein change: p.Leu2994Gln; replaces leucine 2994 with glutamine.
Molecular consequence: missense variant. On other transcripts: 3 prime UTR variant (5).
Genome position (GRCh38, 1-based): chr6:63,721,050, A>T on the plus strand (T>A on the coding strand, the complement: EYS is on the minus strand). VCF-style: chr6-63721050-A-T. GRCh37 (hg19) VCF-style: chr6-64430946-A-T.
Other names: c.*7342A>T (NM_001290259.2, NM_001370348.2, NM_001370349.2 and 2 more transcripts); c.9044T>A, p.Leu3015Gln (NM_001292009.2); short protein forms L2994Q, L3015Q.
Identifiers: ClinVar variation 1443659 (VCV001443659.6), dbSNP rs2149624282, ClinGen allele CA364383531.

ClinVar aggregate classification (germline): Uncertain significance (1 of 4 stars; one submission).

Submission:

Labcorp Genetics (formerly Invitae), Labcorp
Classification: Uncertain significance. Last evaluated: 2023-05-22. Review status: criteria provided, single submitter. Criteria: Invitae Variant Classification Sherloc (09022015). Collection method: clinical testing. Allele origin: germline.
Comment: In summary, the available evidence is currently insufficient to determine the role of this variant in disease. Therefore, it has been classified as a Variant of Uncertain Significance. Advanced modeling of protein sequence and biophysical properties (such as structural, functional, and spatial information, amino acid conservation, physicochemical variation, residue mobility, and thermodynamic stability) has been performed at Invitae for this missense variant, however the output from this modeling did not meet the statistical confidence thresholds required to predict the impact of this variant on EYS protein function. ClinVar contains an entry for this variant (Variation ID: 1443659). This missense change has been observed in individual(s) with retinitis pigmentosa (Invitae). This variant is not present in population databases (gnomAD no frequency). This sequence change replaces leucine, which is neutral and non-polar, with glutamine, which is neutral and polar, at codon 2994 of the EYS protein (p.Leu2994Gln).